The following is an entry in ClinVar:

NM_000535.7(PMS2):c.904-4G>A

Gene: PMS2 (PMS1 homolog 2, mismatch repair system component; minus strand). Cytogenetic location: 7p22.1.
Variant type: single nucleotide variant.
Coding change: c.904-4G>A on transcript NM_000535.7 (MANE Select); 4 bases into the intron before coding-DNA position 904, G replaced by A.
Molecular consequence: intron variant.
Genome position (GRCh38, 1-based): chr7:5,992,061, C>T on the plus strand (G>A on the coding strand, the complement: PMS2 is on the minus strand). VCF-style: chr7-5992061-C-T. GRCh37 (hg19) VCF-style: chr7-6031692-C-T.
Other names: c.586-4G>A (NM_001322008.2, NM_001406902.1, NM_001406883.1 and 4 more transcripts); c.595-4G>A (NM_001406881.1, NM_001406879.1, NM_001322015.2 and 6 more transcripts); c.499-4G>A (NM_001406895.1, NM_001322010.2, NM_001322004.2 and 19 more transcripts); c.133-4G>A (NM_001406911.1); c.391-4G>A (NM_001406904.1, NM_001406905.1); c.331-4G>A (NM_001322013.2, NM_001406909.1); c.-30-4G>A (NM_001322012.2, NM_001322011.2); c.568-4G>A (NM_001406885.1); and 8 more.
Identifiers: ClinVar variation 3903534 (VCV003903534.1).

ClinVar aggregate classification (germline): Likely benign (1 of 4 stars; one submission).

Conditions:
Lynch syndrome 4 (LYNCH4). Also called: Colorectal cancer, hereditary nonpolyposis, type 4; Hereditary non-polyposis colorectal cancer, type 4. Identifiers: Orphanet 144, MedGen C1838333, MONDO:0013699, OMIM 614337. Disease mechanism: loss of function.

Submission:

Myriad Genetics, Inc.
Classification: Likely benign for Lynch syndrome 4. Last evaluated: 2025-01-29. Review status: criteria provided, single submitter. Criteria: Myriad Autosomal Dominant, Autosomal Recessive and X-Linked Classification Criteria (2023). Collection method: clinical testing. Allele origin: unknown.
Comment: This variant is considered likely benign. This variant is intronic and is not expected to impact mRNA splicing.